The following is an entry in ClinVar:

NM_001382567.1(STIM1):c.979G>C (p.Ala327Pro)

Gene: STIM1 (stromal interaction molecule 1; plus strand). Cytogenetic location: 11p15.4.
Variant type: single nucleotide variant.
Coding change: c.979G>C on transcript NM_001382567.1 (MANE Select); coding-DNA position 979, G replaced by C.
Protein change: p.Ala327Pro; replaces alanine 327 with proline.
Molecular consequence: missense variant. On other transcripts: non-coding transcript variant (2).
Genome position (GRCh38, 1-based): chr11:4,082,193, G>C. VCF-style: chr11-4082193-G-C. GRCh37 (hg19) VCF-style: chr11-4103423-G-C.
Other names: c.979G>C, p.Ala327Pro (NM_001277961.3, NM_001277962.2, NM_001382568.1 and 1 more transcripts); c.757G>C, p.Ala253Pro (NM_001382566.1, NM_001382573.1, NM_001382575.1 and 4 more transcripts); c.844G>C, p.Ala282Pro (NM_001382569.1); c.751G>C, p.Ala251Pro (NM_001382570.1); c.499G>C, p.Ala167Pro (NM_001382571.1); c.490G>C, p.Ala164Pro (NM_001382580.1, NM_001382581.1); short protein forms A164P, A167P, A251P, A253P, A282P, A327P.
Identifiers: ClinVar variation 3751364 (VCV003751364.2).

ClinVar aggregate classification (germline): Uncertain significance (1 of 4 stars; one submission).

Conditions:
Myopathy with tubular aggregates (TAM). Also called: Tubular Aggregate Myopathy. Identifiers: Orphanet 2593, MedGen C0410207, MONDO:0008051.
Combined immunodeficiency due to STIM1 deficiency. Also called: STIM1 DEFICIENCY; IMMUNODEFICIENCY 10. Identifiers: Orphanet 169090, Orphanet 317430, MedGen C2748557, MONDO:0013008, OMIM 612783.
Stormorken syndrome (STRMK). Also called: THROMBOCYTOPATHY, ASPLENIA, AND MIOSIS. Identifiers: Orphanet 3204, MedGen C1861451, MONDO:0008497, OMIM 185070.

gnomAD v4.1: 1 of 1,614,096 alleles (0.000062%); highest among the groups gnomAD compares: Non-Finnish European, 0.000085%; no homozygotes.

Submission:

Labcorp Genetics (formerly Invitae), Labcorp
Classification: Uncertain significance for Myopathy with tubular aggregates; Combined immunodeficiency due to STIM1 deficiency; Stormorken syndrome. Last evaluated: 2024-04-22. Review status: criteria provided, single submitter. Criteria: Invitae Variant Classification Sherloc (09022015). Collection method: clinical testing. Allele origin: germline.
Comment: This sequence change replaces alanine, which is neutral and non-polar, with proline, which is neutral and non-polar, at codon 327 of the STIM1 protein (p.Ala327Pro). This variant is not present in population databases (gnomAD no frequency). This variant has not been reported in the literature in individuals affected with STIM1-related conditions. Advanced modeling of protein sequence and biophysical properties (such as structural, functional, and spatial information, amino acid conservation, physicochemical variation, residue mobility, and thermodynamic stability) performed at Invitae indicates that this missense variant is expected to disrupt STIM1 protein function with a positive predictive value of 80%. In summary, the available evidence is currently insufficient to determine the role of this variant in disease. Therefore, it has been classified as a Variant of Uncertain Significance.